The following is an entry in ClinVar:

ClinVar aggregate classification (germline): Pathogenic. Review status: criteria provided, multiple submitters, no conflicts (2 of 4 stars). 4 submissions from 4 submitters: Pathogenic (3). 1 of the submissions does not count toward it. Last evaluated 2025-01-20.

Conditions:
Amelogenesis imperfecta type 2A1. Also called: Amelogenesis imperfecta, type IIA1; AMELOGENESIS IMPERFECTA, PIGMENTED HYPOMATURATION TYPE, 1. Identifiers: Orphanet 88661, MedGen C2673922, MONDO:0008772, OMIM 204700. Disease mechanism: loss of function.

Allele frequency attached by ClinVar (database versions not stated): TOPMed below 0.00001; gnomAD 0.00001 and 0.00005; ESP Exome Variant Server 0.00008; gnomAD exomes 0.00010 and 0.00021; ExAC 0.00021; 1000 Genomes Project 30x 0.00062; 1000 Genomes Project 0.00080.

Submissions (4):

First Genomix Gene Laboratory, Genetic Diagnostics Department
Classification: Pathogenic for Amelogenesis imperfecta type 2A1. Last evaluated: 2025-01-20. Review status: criteria provided, single submitter. Criteria: ACMG Guidelines, 2015. Collection method: clinical testing. Allele origin: germline. Inheritance: Autosomal recessive inheritance. Affected: no. Observed: 1 variant allele.

Genetics and Genomic Medicine Centre, NeuroGen Healthcare, NeuroGen Healthcare
Classification: Pathogenic for Amelogenesis imperfecta type 2A1. Last evaluated: 2021-12-20. Review status: criteria provided, single submitter. Criteria: Submitter's publication. Collection method: clinical testing. Allele origin: unknown. Affected: no.

Eurofins Ntd Llc (ga)
Classification: Pathogenic. Last evaluated: 2016-05-24. Review status: criteria provided, single submitter. Criteria: EGL Classification Definitions 2015. Collection method: clinical testing. Allele origin: germline. Observed: 1 variant allele, 1 heterozygote.

Leeds Amelogenesis Imperfecta Research Group, University of Leeds
Classification: Pathogenic for Amelogenesis imperfecta type 2A1. Last evaluated: 2016-12-01. Review status: no assertion criteria provided. Collection method: research. Allele origin: germline. Inheritance: Autosomal recessive inheritance. Affected: yes and no. Observed: 16 variant alleles, 9 heterozygotes, 7 homozygotes. Clinical features observed: Amelogenesis imperfecta. Not counted in ClinVar's aggregate classification.
Comment: Variant leads to a frameshift within the final exon. Therefore it is expected that the transcript would escape nonsense mediated decay and a protein would be produced: NM_004908:p.L211Rfs*37. This protein would lack 3 cysteine residues known to be involved in forming 3 of 6 disulphide bonds important to the structure of the KLK4 protein.

Literature cited by the submitters: PubMed 28611678 (cited by Leeds Amelogenesis Imperfecta Research Group, University of Leeds); PubMed 204700 (cited by Leeds Amelogenesis Imperfecta Research Group, University of Leeds).

NM_004917.5(KLK4):c.632del (p.Leu211fs)

Gene: KLK4 (kallikrein related peptidase 4; minus strand). Cytogenetic location: 19q13.41.
Variant type: Deletion.
Coding change: c.632del on transcript NM_004917.5 (MANE Select); coding-DNA position 632, one base deleted (T; older notation c.632delT).
Protein change: p.Leu211fs; shifts the reading frame from leucine 211.
Molecular consequence: frameshift variant. On other transcripts: non-coding transcript variant (1).
Genome position (GRCh38, 1-based): chr19:50,907,067, A deleted on the plus strand (T on the coding strand, the reverse complement: KLK4 is on the minus strand). VCF-style (leftmost placement, unchanged base first): chr19-50907066-CA-C. GRCh37 (hg19) VCF-style: chr19-51410322-CA-C.
Other names: c.347del, p.Leu116fs (NM_001302961.2); c.632delT (NM_004917.4, NM_004917.5, NM_004917.3); short protein forms L116fs, L211fs.
Identifiers: ClinVar variation 288110 (VCV000288110.10), dbSNP rs556734208, ClinGen allele CA9605001.
Genomic context (GRCh38, chr19:50,907,066, plus strand): 5'-AACTTGGCCACACGGGGCTTTTCCGAAAGACACAAGGCCCTGCAAGTACCCGTTGCAGAT[CA>C]GGGGCCCCCCAGAGTCACCCTGTTGTGAAGAGAGGGAGAGTCAGAATTCAAAACACAGAG-3'